The following is an entry in ClinVar:

ClinVar aggregate classification (germline): Pathogenic (1 of 4 stars; one submission).

Conditions:
Hereditary spastic paraplegia 4. Also called: Familial spastic paraplegia autosomal dominant 2; Spastic paraplegia 4, autosomal dominant; Spastic Paraplegia 4. Identifiers: Orphanet 100985, MedGen C1866855, MONDO:0008438, OMIM 182601.

Submission:

Labcorp Genetics (formerly Invitae), Labcorp
Classification: Pathogenic for Hereditary spastic paraplegia 4. Last evaluated: 2023-07-29. Review status: criteria provided, single submitter. Criteria: Invitae Variant Classification Sherloc (09022015). Collection method: clinical testing. Allele origin: germline.
Comment: For these reasons, this variant has been classified as Pathogenic. Algorithms developed to predict the effect of sequence changes on RNA splicing suggest that this variant may disrupt the consensus splice site. This variant is also known as 1662-2A>T. Disruption of this splice site has been observed in individuals with hereditary spastic paraplegia (PMID: 10699187; Invitae). This variant is not present in population databases (gnomAD no frequency). This sequence change affects an acceptor splice site in intron 13 of the SPAST gene. It is expected to disrupt RNA splicing. Variants that disrupt the donor or acceptor splice site typically lead to a loss of protein function (PMID: 16199547), and loss-of-function variants in SPAST are known to be pathogenic (PMID: 20932283).

Literature cited by the submitters: PubMed 10699187; PubMed 16199547; PubMed 20932283.

NM_014946.4(SPAST):c.1537-2A>T

Gene: SPAST (spastin; plus strand). Cytogenetic location: 2p22.3.
Variant type: single nucleotide variant.
Coding change: c.1537-2A>T on transcript NM_014946.4 (MANE Select); the canonical splice acceptor site of the intron before coding-DNA position 1537, A replaced by T.
Molecular consequence: splice acceptor variant.
Genome position (GRCh38, 1-based): chr2:32,143,334, A>T. VCF-style: chr2-32143334-A-T. GRCh37 (hg19) VCF-style: chr2-32368403-A-T.
Other names: c.1441-2A>T (NM_199436.2, NM_001377959.1); c.1534-2A>T (NM_001363823.2); c.1438-2A>T (NM_001363875.2).
Identifiers: ClinVar variation 2734154 (VCV002734154.3), dbSNP rs2465902960, ClinGen allele CA346503556.